The following is an entry in ClinVar:

NM_001135649.3(FOXI3):c.307G>C (p.Gly103Arg)

Gene: FOXI3 (forkhead box I3; minus strand). Cytogenetic location: 2p11.2.
Variant type: single nucleotide variant.
Coding change: c.307G>C on transcript NM_001135649.3 (MANE Select); coding-DNA position 307, G replaced by C.
Protein change: p.Gly103Arg; replaces glycine 103 with arginine.
Molecular consequence: missense variant.
Genome position (GRCh38, 1-based): chr2:88,452,229, C>G on the plus strand (G>C on the coding strand, the complement: FOXI3 is on the minus strand). VCF-style: chr2-88452229-C-G. GRCh37 (hg19) VCF-style: chr2-88751748-C-G.
Other names: short protein forms G103R.
Identifiers: ClinVar variation 1380057 (VCV001380057.6), dbSNP rs1462576454, ClinGen allele CA347766630.

ClinVar aggregate classification (germline): Uncertain significance (1 of 4 stars; one submission).

Allele frequency attached by ClinVar (database versions not stated): gnomAD 0.00002; TOPMed 0.00003; 1000 Genomes Project 30x 0.00016.

Submission:

Labcorp Genetics (formerly Invitae), Labcorp
Classification: Uncertain significance. Last evaluated: 2025-11-10. Review status: criteria provided, single submitter. Criteria: Invitae Variant Classification Sherloc (09022015). Collection method: clinical testing. Allele origin: germline.
Comment: This sequence change replaces glycine, which is neutral and non-polar, with arginine, which is basic and polar, at codon 103 of the FOXI3 protein (p.Gly103Arg). The frequency data for this variant in the population databases is considered unreliable, as metrics indicate insufficient coverage at this position in the gnomAD database. This variant has not been reported in the literature in individuals affected with FOXI3-related conditions. ClinVar contains an entry for this variant (Variation ID: 1380057). Experimental studies and prediction algorithms are not available or were not evaluated, and the functional significance of this variant is currently unknown. In summary, the available evidence is currently insufficient to determine the role of this variant in disease. Therefore, it has been classified as a Variant of Uncertain Significance.